The following is an entry in ClinVar:

ClinVar aggregate classification (germline): Conflicting classifications of pathogenicity. Review status: criteria provided, conflicting classifications (1 of 4 stars). 4 submissions from 4 submitters: Pathogenic (1); Uncertain significance (2). 1 of the submissions does not count toward it. Last evaluated 2025-02-08.

Conditions:
IFT27-related disorder. Also called: IFT27-related condition.
Jeune thoracic dystrophy. Also called: Jeune syndrome; Infantile thoracic dystrophy; Thoracic pelvic phalangeal dystrophy; Jeune's syndrome; Chondroectodermal dysplasia-like syndrome; Short-rib thoracic dysplasia. Identifiers: Orphanet 474, MedGen C0265275, MONDO:0018770.

Allele frequency attached by ClinVar (database versions not stated): ExAC 0.00003; gnomAD exomes 0.00003; ESP Exome Variant Server 0.00008.

Submissions (4):

PreventionGenetics, part of Exact Sciences
Classification: Uncertain significance for IFT27-related condition. Last evaluated: 2025-02-08. Review status: criteria provided, single submitter. Criteria: ACMG Guidelines, 2015. Collection method: clinical testing. Allele origin: germline.
Comment: The IFT27 c.401C>G variant is predicted to result in premature protein termination (p.Ser134*). To our knowledge, this variant has not been reported in the literature. This variant is reported in 0.0062% of alleles in individuals of European (Non-Finnish) descent in gnomAD. Although we suspect that this variant may be pathogenic, at this time, the clinical significance of this variant is uncertain due to the absence of conclusive functional and genetic evidence.

Labcorp Genetics (formerly Invitae), Labcorp
Classification: Pathogenic. Last evaluated: 2024-06-28. Review status: criteria provided, single submitter. Criteria: Invitae Variant Classification Sherloc (09022015). Collection method: clinical testing. Allele origin: germline.
Comment: This sequence change creates a premature translational stop signal (p.Ser134*) in the IFT27 gene. It is expected to result in an absent or disrupted protein product. Loss-of-function variants in IFT27 are known to be pathogenic (PMID: 24488770, 25446516). This variant is present in population databases (rs145338298, gnomAD 0.006%). This variant has not been reported in the literature in individuals affected with IFT27-related conditions. ClinVar contains an entry for this variant (Variation ID: 1069785). Algorithms developed to predict the effect of sequence changes on RNA splicing suggest that this variant may disrupt the consensus splice site. For these reasons, this variant has been classified as Pathogenic.

Blueprint Genetics
Classification: Uncertain significance. Last evaluated: 2020-12-27. Review status: criteria provided, single submitter. Criteria: ACMG Guidelines, 2015. Collection method: clinical testing. Allele origin: germline.

Molecular Genetics laboratory, Necker Hospital
Classification: Pathogenic for Jeune thoracic dystrophy. Review status: no assertion criteria provided. Criteria: Submitter's publication. Collection method: clinical testing. Allele origin: inherited. Inheritance: Autosomal recessive inheritance. Affected: yes. Observed: 1 variant allele. Not counted in ClinVar's aggregate classification.

Literature cited by the submitters: PubMed 24488770 (cited by Labcorp Genetics (formerly Invitae), Labcorp); PubMed 25446516 (cited by Labcorp Genetics (formerly Invitae), Labcorp); DOI 10.1038/gim.2015.30. (cited by Molecular Genetics laboratory, Necker Hospital).

NM_001177701.3(IFT27):c.404C>G (p.Ser135Ter)

Genes: CACNG2-DT (CACNG2 divergent transcript; plus strand), IFT27 (intraflagellar transport 27; minus strand). Cytogenetic location: 22q12.3.
Variant type: single nucleotide variant.
Coding change: c.404C>G on transcript NM_001177701.3 (MANE Select); coding-DNA position 404, C replaced by G.
Protein change: p.Ser135Ter; replaces serine 135 with a stop codon.
Molecular consequence: nonsense.
Genome position (GRCh38, 1-based): chr22:36,762,962, G>C on the plus strand (C>G on the coding strand, the complement: IFT27 is on the minus strand). VCF-style: chr22-36762962-G-C. GRCh37 (hg19) VCF-style: chr22-37159006-G-C.
Other names: c.404C>G, p.Ser135Ter (NM_001363003.2); c.401C>G, p.Ser134Ter (NM_006860.5); c.401C>G (NM_006860.4); short protein forms S134*, S135*.
Identifiers: ClinVar variation 1069785 (VCV001069785.9), dbSNP rs145338298, ClinGen allele CA10212353.